The following is an entry in ClinVar:

ClinVar aggregate classification (germline): Uncertain significance (1 of 4 stars; one submission).

Allele frequency attached by ClinVar (database versions not stated): gnomAD exomes 0.00004; TOPMed 0.00001; ExAC 0.00002.
gnomAD v4.1: 56 of 1,614,220 alleles (0.0035%); highest among the groups gnomAD compares: Middle Eastern, 0.016%; no homozygotes.

Submission:

Labcorp Genetics (formerly Invitae), Labcorp
Classification: Uncertain significance. Last evaluated: 2022-01-03. Review status: criteria provided, single submitter. Criteria: Invitae Variant Classification Sherloc (09022015). Collection method: clinical testing. Allele origin: germline.
Comment: This sequence change replaces phenylalanine, which is neutral and non-polar, with serine, which is neutral and polar, at codon 196 of the TBXAS1 protein (p.Phe196Ser). In summary, the available evidence is currently insufficient to determine the role of this variant in disease. Therefore, it has been classified as a Variant of Uncertain Significance. Algorithms developed to predict the effect of missense changes on protein structure and function (SIFT, PolyPhen-2, Align-GVGD) all suggest that this variant is likely to be disruptive. This variant has not been reported in the literature in individuals affected with TBXAS1-related conditions. This variant is present in population databases (rs779880193, gnomAD 0.003%).

NM_001061.7(TBXAS1):c.584T>C (p.Phe195Ser)

Gene: TBXAS1 (thromboxane A synthase 1; plus strand). Cytogenetic location: 7q34.
Variant type: single nucleotide variant.
Coding change: c.584T>C on transcript NM_001061.7 (MANE Select); coding-DNA position 584, T replaced by C.
Protein change: p.Phe195Ser; replaces phenylalanine 195 with serine.
Molecular consequence: missense variant.
Genome position (GRCh38, 1-based): chr7:139,955,503, T>C. VCF-style: chr7-139955503-T-C. GRCh37 (hg19) VCF-style: chr7-139655302-T-C.
Other names: c.584T>C, p.Phe195Ser (NM_001130966.5, NM_030984.6); c.722T>C, p.Phe241Ser (NM_001166253.4); c.383T>C, p.Phe128Ser (NM_001166254.4); c.527T>C, p.Phe176Ser (NM_001314028.4); c.401T>C, p.Phe134Ser (NM_001366537.3); short protein forms F196S, F176S, F128S, F134S, F195S, F242S, F241S.
Identifiers: ClinVar variation 2075293 (VCV002075293.4), dbSNP rs779880193, ClinGen allele CA4511724.
Genomic context (GRCh38, chr7:139,955,503, plus strand): 5'-CTCCCATCTCCCGTAGGTGCTACTGCAATTACACCACAGATGTGGTTGCCAGCGTCGCCT[T>C]TGGCACCCCGGTGGACTCCTGGCAGGCCCCTGAGGATCCCTTTGTGAAACACTGCAAGCG-3'
Protein context (NP_001052.3, residues 185-205): YTTDVVASVA[Phe195Ser]GTPVDSWQAP